The following is an entry in ClinVar:

NM_004551.3(NDUFS3):c.475G>C (p.Val159Leu)

Gene: NDUFS3 (NADH:ubiquinone oxidoreductase core subunit S3; plus strand). Cytogenetic location: 11p11.2.
Variant type: single nucleotide variant.
Coding change: c.475G>C on transcript NM_004551.3 (MANE Select); coding-DNA position 475, G replaced by C.
Protein change: p.Val159Leu; replaces valine 159 with leucine.
Molecular consequence: missense variant.
Genome position (GRCh38, 1-based): chr11:47,582,181, G>C. VCF-style: chr11-47582181-G-C. GRCh37 (hg19) VCF-style: chr11-47603733-G-C.
Other names: p.Val159Leu; short protein forms V159L.
Identifiers: ClinVar variation 214802 (VCV000214802.51), dbSNP rs148331180, ClinGen allele CA320767.

ClinVar aggregate classification (germline): Conflicting classifications of pathogenicity. Review status: criteria provided, conflicting classifications (1 of 4 stars). 10 submissions from 9 submitters: Uncertain significance (2); Likely benign (5). 3 of the submissions do not count toward it. Last evaluated 2026-09-01.

Conditions:
Mitochondrial complex I deficiency, nuclear type 1. Also called: NADH-COENZYME Q REDUCTASE DEFICIENCY; MITOCHONDRIAL NADH DEHYDROGENASE COMPONENT OF COMPLEX I, DEFICIENCY OF. Identifiers: MedGen C6022305, MONDO:0100224, OMIM 252010.
Mitochondrial complex I deficiency, nuclear type 8. Also called: Mitochondrial complex 1 deficiency, nuclear type 8. Identifiers: MedGen C4748766, MONDO:0032613, OMIM 618230.
NDUFS3-related disorder. Also called: NDUFS3-Related Disorders; NDUFS3-related condition.
Leigh syndrome (NULS). Also called: Leigh Disease; Subacute necrotizing encephalopathy; Necrotizing encephalopathy infantile subacute of Leigh; Leigh's syndrome; LEIGH SYNDROME, NUCLEAR; Leigh Syndrome (mtDNA deletion). Identifiers: Orphanet 506, MedGen C2931891, MONDO:0009723, OMIM 256000.

Allele frequency attached by ClinVar (database versions not stated): 1000 Genomes Project 30x 0.00078; 1000 Genomes Project 0.00080; gnomAD 0.00232 and 0.00237; ExAC 0.00254; gnomAD exomes 0.00255 and 0.00355; TOPMed 0.00261; ESP Exome Variant Server 0.00300.
gnomAD v4.1: 5,526 of 1,614,204 alleles (0.34%); highest among the groups gnomAD compares: Non-Finnish European, 0.41%; 17 homozygotes.

Submissions (10):

CeGaT Center for Human Genetics Tuebingen
Classification: Likely benign. Last evaluated: 2026-09-01. Review status: criteria provided, single submitter. Criteria: CeGaT Center For Human Genetics Tuebingen Variant Classification Criteria Version 2. Collection method: clinical testing. Allele origin: germline. Affected: yes. Observed: 12 variant alleles.
Comment: NDUFS3: BS2

Labcorp Genetics (formerly Invitae), Labcorp
Classification: Likely benign. Last evaluated: 2025-12-31. Review status: criteria provided, single submitter. Criteria: Invitae Variant Classification Sherloc (09022015). Collection method: clinical testing. Allele origin: germline.

Blueprint Genetics
Classification: Likely benign. Last evaluated: 2024-11-23. Review status: criteria provided, single submitter. Criteria: ACMG Guidelines, 2015. Collection method: clinical testing. Allele origin: germline.

Mayo Clinic Laboratories, Mayo Clinic
Classification: Likely benign. Last evaluated: 2023-07-20. Review status: criteria provided, single submitter. Criteria: ACMG Guidelines, 2015. Collection method: clinical testing. Allele origin: germline. Observed: 2 variant alleles.
Comment: BS1

Department of Pathology and Laboratory Medicine, Sinai Health System
Classification: Likely benign for Mitochondrial complex I deficiency, nuclear type 8. Last evaluated: 2021-07-30. Review status: criteria provided, single submitter. Criteria: ACMG Guidelines, 2015. Collection method: research. Allele origin: germline.

Illumina Laboratory Services, Illumina
Classification: Uncertain significance for Mitochondrial complex I deficiency, nuclear type 1. Last evaluated: 2018-01-12. Review status: criteria provided, single submitter. Criteria: ICSL Variant Classification Criteria 13 December 2019. Collection method: clinical testing. Allele origin: germline.

Illumina Laboratory Services, Illumina
Classification: Uncertain significance for Leigh syndrome. Last evaluated: 2018-01-12. Review status: criteria provided, single submitter. Criteria: ICSL Variant Classification Criteria 13 December 2019. Collection method: clinical testing. Allele origin: germline.

PreventionGenetics, part of Exact Sciences
Classification: Likely benign for NDUFS3-related condition. Last evaluated: 2023-01-06. Review status: no assertion criteria provided. Collection method: clinical testing. Allele origin: germline. Not counted in ClinVar's aggregate classification.
Comment: This variant is classified as likely benign based on ACMG/AMP sequence variant interpretation guidelines (Richards et al. 2015 PMID: 25741868, with internal and published modifications).

Clinical Genetics DNA and cytogenetics Diagnostics Lab, Erasmus MC, Erasmus Medical Center
Classification: Uncertain significance. Review status: no assertion criteria provided. Collection method: clinical testing. Allele origin: germline. Affected: yes. Study: VKGL Data-share Consensus. Not counted in ClinVar's aggregate classification.

Diagnostic Laboratory, Department of Genetics, University Medical Center Groningen
Classification: Uncertain significance. Review status: no assertion criteria provided. Collection method: clinical testing. Allele origin: germline. Affected: yes. Study: VKGL Data-share Consensus. Not counted in ClinVar's aggregate classification.

Literature cited by the submitters: PubMed 31664448 (cited by Mayo Clinic Laboratories, Mayo Clinic); PubMed 36185699 (cited by Mayo Clinic Laboratories, Mayo Clinic).